The following is an entry in ClinVar:

ClinVar aggregate classification (germline): Uncertain significance (1 of 4 stars; one submission).

Conditions:
Baller-Gerold syndrome (BGS). Also called: CRANIOSYNOSTOSIS WITH RADIAL DEFECTS. Identifiers: Orphanet 1225, MedGen C0265308, MONDO:0009039, OMIM 218600.

Submission:

Labcorp Genetics (formerly Invitae), Labcorp
Classification: Uncertain significance for Baller-Gerold syndrome. Last evaluated: 2023-11-10. Review status: criteria provided, single submitter. Criteria: Invitae Variant Classification Sherloc (09022015). Collection method: clinical testing. Allele origin: germline.
Comment: This sequence change replaces glycine, which is neutral and non-polar, with serine, which is neutral and polar, at codon 213 of the RECQL4 protein (p.Gly213Ser). This variant is not present in population databases (gnomAD no frequency). This variant has not been reported in the literature in individuals affected with RECQL4-related conditions. Advanced modeling of protein sequence and biophysical properties (such as structural, functional, and spatial information, amino acid conservation, physicochemical variation, residue mobility, and thermodynamic stability) performed at Invitae indicates that this missense variant is not expected to disrupt RECQL4 protein function with a negative predictive value of 80%. In summary, the available evidence is currently insufficient to determine the role of this variant in disease. Therefore, it has been classified as a Variant of Uncertain Significance.

NM_004260.4(RECQL4):c.637G>A (p.Gly213Ser)

Gene: RECQL4 (RecQ like helicase 4; minus strand). Cytogenetic location: 8q24.3.
Variant type: single nucleotide variant.
Coding change: c.637G>A on transcript NM_004260.4 (MANE Select); coding-DNA position 637, G replaced by A.
Protein change: p.Gly213Ser; replaces glycine 213 with serine.
Molecular consequence: missense variant. On other transcripts: 5 prime UTR variant (15), non-coding transcript variant (3), intron variant (3).
Genome position (GRCh38, 1-based): chr8:144,516,482, C>T on the plus strand (G>A on the coding strand, the complement: RECQL4 is on the minus strand). VCF-style: chr8-144516482-C-T. GRCh37 (hg19) VCF-style: chr8-145741866-C-T.
Other names: c.637G>A, p.Gly213Ser (NM_001413018.1, NM_001413019.1, NM_001413020.1 and 4 more transcripts); c.-435G>A (NM_001413022.1, NM_001413023.1, NM_001413024.1 and 5 more transcripts); c.508G>A, p.Gly170Ser (NM_001413025.1); c.-497G>A (NM_001413027.1, NM_001413030.1, NM_001413031.1 and 2 more transcripts); c.-339G>A (NM_001413034.1); c.-704G>A (NM_001413043.1); c.355-69G>A (NM_001413029.1); c.-366-69G>A (NM_001413021.1, NM_001413028.1); short protein forms G170S, G213S.
Identifiers: ClinVar variation 2976809 (VCV002976809.3), dbSNP rs2130725205, ClinGen allele CA372689973.
Genomic context (GRCh38, chr8:144,516,482, plus strand): 5'-CAGCACCAGGACCAAGGACAGCCGACTCACCAGGGATCAGAAGTTGTGATTCCTCTGAGC[C>T]TAGATCAGGCCTGCAGGCTTTGGGGGCCCCCAGAAAATCTGGGACCTCACTGTGACATCG-3'
Protein context (NP_004251.4, residues 203-223): GAPKACRPDL[Gly213Ser]SEESQLLIPG